The following is an entry in ClinVar:

NM_020987.5(ANK3):c.556G>A (p.Asp186Asn)

Gene: ANK3 (ankyrin 3; minus strand). Cytogenetic location: 10q21.2.
Variant type: single nucleotide variant.
Coding change: c.556G>A on transcript NM_020987.5 (MANE Select); coding-DNA position 556, G replaced by A.
Protein change: p.Asp186Asn; replaces aspartic acid 186 with asparagine.
Molecular consequence: missense variant.
Genome position (GRCh38, 1-based): chr10:60,263,978, C>T on the plus strand (G>A on the coding strand, the complement: ANK3 is on the minus strand). VCF-style: chr10-60263978-C-T. GRCh37 (hg19) VCF-style: chr10-62023736-C-T.
Other names: c.538G>A, p.Asp180Asn (NM_001204403.2); c.505G>A, p.Asp169Asn (NM_001204404.2); c.556G>A, p.Asp186Asn (NM_001320874.2); short protein forms D169N, D180N, D186N.
Identifiers: ClinVar variation 1047854 (VCV001047854.8), dbSNP rs1592696131, ClinGen allele CA376992557.

ClinVar aggregate classification (germline): Uncertain significance (1 of 4 stars; one submission).

Allele frequency attached by ClinVar (database versions not stated): gnomAD exomes below 0.00001.
gnomAD v4.1: 3 of 1,614,058 alleles (0.00019%); highest among the groups gnomAD compares: Non-Finnish European, 0.00025%; no homozygotes.

Submission:

Labcorp Genetics (formerly Invitae), Labcorp
Classification: Uncertain significance. Last evaluated: 2025-04-28. Review status: criteria provided, single submitter. Criteria: Invitae Variant Classification Sherloc (09022015). Collection method: clinical testing. Allele origin: germline.
Comment: This sequence change replaces aspartic acid, which is acidic and polar, with asparagine, which is neutral and polar, at codon 186 of the ANK3 protein (p.Asp186Asn). This variant is not present in population databases (gnomAD no frequency). This variant has not been reported in the literature in individuals affected with ANK3-related conditions. ClinVar contains an entry for this variant (Variation ID: 1047854). Invitae Evidence Modeling of protein sequence and biophysical properties (such as structural, functional, and spatial information, amino acid conservation, physicochemical variation, residue mobility, and thermodynamic stability) indicates that this missense variant is not expected to disrupt ANK3 protein function with a negative predictive value of 80%. In summary, the available evidence is currently insufficient to determine the role of this variant in disease. Therefore, it has been classified as a Variant of Uncertain Significance.